The following is an entry in ClinVar:

NM_004453.4(ETFDH):c.176-1G>T

Gene: ETFDH (electron transfer flavoprotein dehydrogenase; plus strand). Cytogenetic location: 4q32.1.
Variant type: single nucleotide variant.
Coding change: c.176-1G>T on transcript NM_004453.4 (MANE Select); the canonical splice acceptor site of the intron before coding-DNA position 176, G replaced by T.
Molecular consequence: splice acceptor variant. On other transcripts: 5 prime UTR variant (1).
Genome position (GRCh38, 1-based): chr4:158,682,194, G>T. VCF-style: chr4-158682194-G-T. GRCh37 (hg19) VCF-style: chr4-159603346-G-T.
Other names: c.35-1G>T (NM_001281737.2); c.-9G>T (NM_001281738.1).
Identifiers: ClinVar variation 4067461 (VCV004067461.2).

ClinVar aggregate classification (germline): Pathogenic (1 of 4 stars; one submission).

Conditions:
Glutaric acidemia type 2C.

Submission:

Natera, Inc.
Classification: Pathogenic for Glutaric acidemia type 2C. Last evaluated: 2025-02-24. Review status: criteria provided, single submitter. Criteria: Natera Variant Classification Schema (03/2026). Collection method: clinical testing. Allele origin: germline.
Comment: The c.176-1G>T variant in ETFDH is a canonical splice acceptor site variant predicted to affect pre-mRNA splicing, which may result in an abnormal transcript and altered protein product. This variant is expected to result in nonsense mediated decay, truncation, or a dysfunctional protein product. This variant is rare in the general population with a frequency below the threshold expected for the associated phenotype(s). This variant has been observed in one or more individuals affected with the associated recessive disease, as either homozygous or compound heterozygous with a second variant (PMID: 30681493). Given the available evidence, this variant is classified as Pathogenic.

Literature cited by the submitters: PubMed 30681493.